The following is an entry in ClinVar:

ClinVar aggregate classification (germline): Uncertain significance (0 of 4 stars; one submission).

Conditions:
TTN-related disorder. Also called: TTN-related condition; TTN-related disease; TTN-related disorders.

Allele frequency attached by ClinVar (database versions not stated): gnomAD exomes 0.00001; TOPMed below 0.00001; gnomAD 0.00001.
gnomAD v4.1: 4 of 1,574,492 alleles (0.00025%); highest among the groups gnomAD compares: Non-Finnish European, 0.00035%; no homozygotes.

Submission:

PreventionGenetics, part of Exact Sciences
Classification: Uncertain significance for TTN-related condition. Last evaluated: 2023-11-30. Review status: no assertion criteria provided. Collection method: clinical testing. Allele origin: germline.
Comment: The TTN c.10666G>A variant is predicted to result in the amino acid substitution p.Val3556Met. To our knowledge, this variant has not been reported in the literature. This variant is reported in 0.0065% of alleles in individuals of European (Non-Finnish) descent in gnomAD. At this time, the clinical significance of this variant is uncertain due to the absence of conclusive functional and genetic evidence.

NM_001267550.2(TTN):c.10666G>A (p.Val3556Met)

Gene: TTN (titin; minus strand). Cytogenetic location: 2q31.2.
Variant type: single nucleotide variant.
Coding change: c.10666G>A on transcript NM_001267550.2 (MANE Select); coding-DNA position 10666, G replaced by A.
Protein change: p.Val3556Met; replaces valine 3556 with methionine.
Molecular consequence: missense variant. On other transcripts: intron variant (5).
Genome position (GRCh38, 1-based): chr2:178,757,554, C>T on the plus strand (G>A on the coding strand, the complement: TTN is on the minus strand). VCF-style: chr2-178757554-C-T. GRCh37 (hg19) VCF-style: chr2-179622281-C-T.
Other names: c.10528G>A, p.Val3510Met (NM_133432.3); c.10165+1430G>A (NM_003319.4); c.10166-757G>A (NM_133437.4); c.10303+1430G>A (NM_133378.4, NM_001256850.1, NM_133379.5); short protein forms V3510M, V3556M.
Identifiers: ClinVar variation 2635156 (VCV002635156.3), dbSNP rs1039409681, ClinGen allele CA60994225.
Genomic context (GRCh38, chr2:178,757,554, plus strand): 5'-TGAGAGGTATACAGCAAATCAAAGTCCTTGAAGCAAGATGGGCTTTACCTTTTGGAGTCA[C>T]TGTGAGTGTAGCTGCACAAGTGGCTTCCCCAGCACTATTGGCTGCTTTGCAAGAGTACTG-3'
Protein context (NP_001254479.2, residues 3546-3566): GEATCAATLT[Val3556Met]TPKVQALDRQ